The following is an entry in ClinVar:

NM_020433.5(JPH2):c.379+8350T>A

Gene: JPH2 (junctophilin 2; minus strand). Cytogenetic location: 20q13.12.
Variant type: single nucleotide variant.
Coding change: c.379+8350T>A on transcript NM_020433.5 (MANE Select); 8350 bases into the intron after coding-DNA position 379, T replaced by A.
Molecular consequence: intron variant.
Genome position (GRCh38, 1-based): chr20:44,177,977, A>T on the plus strand (T>A on the coding strand, the complement: JPH2 is on the minus strand). VCF-style: chr20-44177977-A-T. GRCh37 (hg19) VCF-style: chr20-42806617-A-T.
Other names: c.380-5T>A (NM_175913.3, NM_175913.4).
Identifiers: ClinVar variation 2500045 (VCV002500045.3), dbSNP rs754053583, ClinGen allele CA9868864.

ClinVar aggregate classification (germline): Uncertain significance. Review status: criteria provided, multiple submitters, no conflicts (2 of 4 stars). 2 submissions from 2 submitters: Uncertain significance (2). Last evaluated 2026-05-29.

Conditions:
Hypertrophic cardiomyopathy 17. Identifiers: MedGen C3151264, MONDO:0013474, OMIM 613873.
Cardiomyopathy, dilated, 2E. Identifiers: MedGen C5561970, MONDO:0030366, OMIM 619492.
JPH2-related disorder. Also called: JPH2-related condition.

Allele frequency attached by ClinVar (database versions not stated): ExAC 0.00002; gnomAD 0.00003; gnomAD exomes 0.00003; TOPMed 0.00007.
gnomAD v4.1: 26 of 1,028,556 alleles (0.0025%); highest among the groups gnomAD compares: Admixed American, 0.042%; no homozygotes.

Submissions (2):

PreventionGenetics, part of Exact Sciences
Classification: Uncertain significance for JPH2-related condition. Last evaluated: 2026-05-29. Review status: criteria provided, single submitter. Criteria: ACMG Guidelines, 2015. Collection method: clinical testing. Allele origin: germline.
Comment: The JPH2 c.380-5T>A variant is predicted to interfere with splicing. To our knowledge, this variant has not been reported in the literature. This variant is reported in 0.045% of alleles in individuals of Latino descent in gnomAD. At this time, the clinical significance of this variant is uncertain due to the absence of conclusive functional and genetic evidence.

Center for Genomics, Ann and Robert H. Lurie Children's Hospital of Chicago
Classification: Uncertain significance for Cardiomyopathy, dilated, 2E; Hypertrophic cardiomyopathy 17. Review status: criteria provided, single submitter. Criteria: ACMG Guidelines, 2015. Collection method: clinical testing. Allele origin: germline.
Comment: JPH2 NM_175913.3 exon 2 c.380-5T>A: This variant has not been reported in the literature and is present in 0.04% (16/35440) of Latino alleles in the Genome Aggregation Database. Evolutionary conservation and computational predictive tools for this variant are limited or unavailable. Although this variant occurs in the splice region, computational prediction tools do not suggest that it may alter splicing. However, further studies are needed to understand its impact. In summary, data on this variant is insufficient for disease classification. Therefore, the clinical significance of this variant is uncertain.